The following is an entry in ClinVar:

ClinVar aggregate classification (germline): Pathogenic (1 of 4 stars; one submission).

Conditions:
Nemaline myopathy 2 (NEM2). Also called: Nemaline myopathy 2, autosomal recessive. Identifiers: MedGen C1850569, MONDO:0009725, OMIM 256030.

Submission:

Myriad Genetics, Inc.
Classification: Pathogenic for Nemaline myopathy 2. Last evaluated: 2026-05-13. Review status: criteria provided, single submitter. Criteria: Myriad Autosomal Dominant, Autosomal Recessive and X-Linked Classification Criteria (2023). Collection method: clinical testing. Allele origin: unknown.
Comment: NM_001271208.1(NEB):c.20931dupA(Y6978Ifs*19) is expected to be pathogenic in the context of NEB-related nemaline myopathy. This variant is predicted to lead to an abnormal or absent protein product due to the creation of a premature termination codon in NEB, a gene where loss-of-function variants are known to be pathogenic. Please note: this variant was assessed in the context of healthy population screening.

NM_001164508.2(NEB):c.20931dup (p.Tyr6978fs)

Gene: NEB (nebulin; minus strand). Cytogenetic location: 2q23.3.
Variant type: Duplication.
Coding change: c.20931dup on transcript NM_001164508.2 (MANE Select); coding-DNA position 20931, one base duplicated (A; older notation c.20931dupA).
Protein change: p.Tyr6978fs; shifts the reading frame from tyrosine 6978.
Molecular consequence: frameshift variant.
Genome position (GRCh38, 1-based): chr2:151,538,206, T duplicated on the plus strand (A on the coding strand, the reverse complement: NEB is on the minus strand); the first of 3 consecutive T bases (chr2:151,538,206-151,538,208); duplicating any one gives the same sequence. VCF-style (leftmost placement, unchanged base first): chr2-151538205-A-AT. GRCh37 (hg19) VCF-style: chr2-152394719-A-AT.
Other names: c.20931dup, p.Tyr6978fs (NM_001164507.2, NM_001271208.2); c.15828dup, p.Tyr5277fs (NM_004543.5); short protein forms Y5277fs, Y6978fs.
Identifiers: ClinVar variation 5015906 (VCV005015906.1).
Genomic context (GRCh38, chr2:151,538,205, plus strand): 5'-TGATGTCATCTGTGACTTTGCGATGATAGACAATGTCTAGGGCATCTTTCACCGTGTGGT[A>AT]TTTCCCTTTGGTCTTTTGAAATGTTTCTTTGTAGCGTAGCTAGAAAGAGAAAAAACACAT-3'